The following is an entry in ClinVar:

NM_004364.5(CEBPA):c.117C>G (p.Pro39=)

Gene: CEBPA (CCAAT enhancer binding protein alpha; minus strand). Cytogenetic location: 19q13.11.
Variant type: single nucleotide variant.
Coding change: c.117C>G on transcript NM_004364.5 (MANE Select); coding-DNA position 117, C replaced by G.
Protein change: p.Pro39=; no amino-acid change (proline 39 retained).
Molecular consequence: synonymous variant. On other transcripts: 5 prime UTR variant (1).
Genome position (GRCh38, 1-based): chr19:33,302,298, G>C on the plus strand (C>G on the coding strand, the complement: CEBPA is on the minus strand). VCF-style: chr19-33302298-G-C. GRCh37 (hg19) VCF-style: chr19-33793204-G-C.
Other names: c.-241C>G (NM_001285829.2); c.222C>G, p.Pro74= (NM_001287424.2); c.75C>G, p.Pro25= (NM_001287435.2).
Identifiers: ClinVar variation 4736832 (VCV004736832.1).

ClinVar aggregate classification (germline): Uncertain significance (1 of 4 stars; one submission).

Conditions:
Acute myeloid leukemia (AML). Also called: Acute myeloid leukemia, adult; AML adult; Acute non-lymphocytic leukemia; Acute granulocytic leukemia; Leukemia, acute myeloid, somatic; Leukemia, acute myelogenous, somatic. Identifiers: Orphanet 519, MedGen C0023467, MeSH D015470, MONDO:0018874, OMIM 601626, HP:0004808. Disease mechanism: Constitutively activated FLT3.

gnomAD v4.1: 1 of 1,465,350 alleles (0.000068%); highest among the groups gnomAD compares: Non-Finnish European, 0.000091%; no homozygotes.

Submission:

Labcorp Genetics (formerly Invitae), Labcorp
Classification: Uncertain significance for Acute myeloid leukemia. Last evaluated: 2025-07-02. Review status: criteria provided, single submitter. Criteria: Invitae Variant Classification Sherloc (09022015). Collection method: clinical testing. Allele origin: germline.
Comment: This sequence change affects codon 39 of the CEBPA mRNA. It is a 'silent' change, meaning that it does not change the encoded amino acid sequence of the CEBPA protein. This variant is not present in population databases (gnomAD no frequency). This variant has not been reported in the literature in individuals affected with CEBPA-related conditions. In summary, the available evidence is currently insufficient to determine the role of this variant in disease. Therefore, it has been classified as a Variant of Uncertain Significance.